The following is an entry in ClinVar:

ClinVar aggregate classification (germline): Uncertain significance. Review status: criteria provided, multiple submitters, no conflicts (2 of 4 stars). 2 submissions from 2 submitters: Uncertain significance (2). Last evaluated 2024-02-28.

Conditions:
Joubert syndrome 3 (JBTS3). Also called: AHI1-related Ciliopathy. Identifiers: Orphanet 220493, MedGen C1837713, MONDO:0012078, OMIM 608629.
Joubert syndrome. Also called: Familial aplasia of the vermis; CEREBELLOPARENCHYMAL DISORDER IV; JOUBERT-BOLTSHAUSER SYNDROME. Identifiers: Orphanet 475, MedGen C5979921, MONDO:0018772.

Allele frequency attached by ClinVar (database versions not stated): gnomAD exomes below 0.00001; gnomAD 0.00001; TOPMed 0.00001.
gnomAD v4.1: 6 of 1,601,604 alleles (0.00037%); highest among the groups gnomAD compares: Admixed American, 0.0017%; no homozygotes.

Submissions (2):

Fulgent Genetics
Classification: Uncertain significance for Joubert syndrome 3. Last evaluated: 2024-02-28. Review status: criteria provided, single submitter. Criteria: ACMG Guidelines, 2015. Collection method: clinical testing. Allele origin: germline.

Labcorp Genetics (formerly Invitae), Labcorp
Classification: Uncertain significance for Joubert syndrome. Last evaluated: 2021-09-01. Review status: criteria provided, single submitter. Criteria: Invitae Variant Classification Sherloc (09022015). Collection method: clinical testing. Allele origin: germline.
Comment: This sequence change replaces glycine with glutamic acid at codon 762 of the AHI1 protein (p.Gly762Glu). The glycine residue is moderately conserved and there is a moderate physicochemical difference between glycine and glutamic acid. This variant is not present in population databases (ExAC no frequency). This variant has not been reported in the literature in individuals affected with AHI1-related conditions. Algorithms developed to predict the effect of missense changes on protein structure and function are either unavailable or do not agree on the potential impact of this missense change (SIFT: "Deleterious"; PolyPhen-2: "Probably Damaging"; Align-GVGD: "Class C0"). In summary, the available evidence is currently insufficient to determine the role of this variant in disease. Therefore, it has been classified as a Variant of Uncertain Significance.

NM_001134831.2(AHI1):c.2285G>A (p.Gly762Glu)

Gene: AHI1 (Abelson helper integration site 1; minus strand). Cytogenetic location: 6q23.3.
Variant type: single nucleotide variant.
Coding change: c.2285G>A on transcript NM_001134831.2 (MANE Select); coding-DNA position 2285, G replaced by A.
Protein change: p.Gly762Glu; replaces glycine 762 with glutamic acid.
Molecular consequence: missense variant.
Genome position (GRCh38, 1-based): chr6:135,431,296, C>T on the plus strand (G>A on the coding strand, the complement: AHI1 is on the minus strand). VCF-style: chr6-135431296-C-T. GRCh37 (hg19) VCF-style: chr6-135752434-C-T.
Other names: c.2285G>A, p.Gly762Glu (NM_001134830.2, NM_001134832.2, NM_001350503.2 and 2 more transcripts); short protein forms G762E.
Identifiers: ClinVar variation 958413 (VCV000958413.9), dbSNP rs1348260638, ClinGen allele CA365743294.